The following is an entry in ClinVar:

NM_006158.5(NEFL):c.1502A>G (p.Glu501Gly)

Gene: NEFL (neurofilament light chain; minus strand). Cytogenetic location: 8p21.2.
Variant type: single nucleotide variant.
Coding change: c.1502A>G on transcript NM_006158.5 (MANE Select); coding-DNA position 1502, A replaced by G.
Protein change: p.Glu501Gly; replaces glutamic acid 501 with glycine.
Molecular consequence: missense variant.
Genome position (GRCh38, 1-based): chr8:24,952,940, T>C on the plus strand (A>G on the coding strand, the complement: NEFL is on the minus strand). VCF-style: chr8-24952940-T-C. GRCh37 (hg19) VCF-style: chr8-24810453-T-C.
Other names: short protein forms E501G.
Identifiers: ClinVar variation 993996 (VCV000993996.10), dbSNP rs1802990111, ClinGen allele CA370619767.

ClinVar aggregate classification (germline): Uncertain significance. Review status: criteria provided, multiple submitters, no conflicts (2 of 4 stars). 2 submissions from 2 submitters: Uncertain significance (2). Last evaluated 2024-02-28.

Conditions:
Charcot-Marie-Tooth disease type 2E (CMT2E). Also called: CHARCOT-MARIE-TOOTH NEUROPATHY, TYPE 2E; CHARCOT-MARIE-TOOTH DISEASE, AXONAL, TYPE 2E. Identifiers: Orphanet 99939, MedGen C1843225, MONDO:0011894, OMIM 607684.

Submissions (2):

Labcorp Genetics (formerly Invitae), Labcorp
Classification: Uncertain significance for Charcot-Marie-Tooth disease type 2E. Last evaluated: 2024-02-28. Review status: criteria provided, single submitter. Criteria: Invitae Variant Classification Sherloc (09022015). Collection method: clinical testing. Allele origin: germline.
Comment: This sequence change replaces glutamic acid, which is acidic and polar, with glycine, which is neutral and non-polar, at codon 501 of the NEFL protein (p.Glu501Gly). This variant is not present in population databases (gnomAD no frequency). This variant has not been reported in the literature in individuals affected with NEFL-related conditions. ClinVar contains an entry for this variant (Variation ID: 993996). Advanced modeling of protein sequence and biophysical properties (such as structural, functional, and spatial information, amino acid conservation, physicochemical variation, residue mobility, and thermodynamic stability) has been performed at Invitae for this missense variant, however the output from this modeling did not meet the statistical confidence thresholds required to predict the impact of this variant on NEFL protein function. In summary, the available evidence is currently insufficient to determine the role of this variant in disease. Therefore, it has been classified as a Variant of Uncertain Significance.

ARUP Laboratories, Molecular Genetics and Genomics, ARUP Laboratories
Classification: Uncertain significance. Last evaluated: 2019-07-25. Review status: criteria provided, single submitter. Criteria: ARUP Molecular Germline Variant Investigation Process. Collection method: clinical testing. Allele origin: germline.
Comment: The NEFL c.1502A>G; p.Glu501Gly variant, to our knowledge, is not reported in the medical literature or gene specific databases. This variant is absent from general population databases (Exome Variant Server, Genome Aggregation Database), indicating it is not a common polymorphism. The glutamic acid at position 501 is highly conserved and computational analyses of the effects of the p.Glu501Gly variant on protein structure and function is deleterious (SIFT: deleterious, PolyPhen-2: probably damaging). Altogether, there is not enough evidence to classify the p.Glu501Gly variant with certainty.